The following is an entry in ClinVar:

NM_000501.4(ELN):c.134-16T>C

Gene: ELN (elastin; plus strand). Cytogenetic location: 7q11.23.
Variant type: single nucleotide variant.
Coding change: c.134-16T>C on transcript NM_000501.4 (MANE Select); 16 bases into the intron before coding-DNA position 134, T replaced by C.
Molecular consequence: intron variant.
Genome position (GRCh38, 1-based): chr7:74,036,539, T>C. VCF-style: chr7-74036539-T-C. GRCh37 (hg19) VCF-style: chr7-73450869-T-C.
Other names: c.134-16T>C (NM_001081754.3, NM_001081753.3, NM_001278939.2 and 5 more transcripts); c.133+1125T>C (NM_001278914.2, NM_001278917.2, NM_001081752.3 and 1 more transcripts).
Identifiers: ClinVar variation 931343 (VCV000931343.11), dbSNP rs782791376, ClinGen allele CA4292307.

ClinVar aggregate classification (germline): Conflicting classifications of pathogenicity. Review status: criteria provided, conflicting classifications (1 of 4 stars). 3 submissions from 3 submitters: Uncertain significance (1); Likely benign (2). Last evaluated 2026-01-07.

Conditions:
Williams syndrome (WBS). Also called: WILLIAMS-BEUREN SYNDROME; CHROMOSOME 7q11.23 DELETION SYNDROME, 1.5- TO 1.8-MB. Identifiers: Orphanet 904, MedGen C0175702, MONDO:0008678, OMIM 194050. Disease mechanism: loss of function.
Supravalvar aortic stenosis (SVAS). Also called: Supravalvar aortic stenosis, Eisenberg type. Identifiers: Orphanet 3193, MedGen C0003499, MONDO:0008504, OMIM 185500, HP:0004381.

Allele frequency attached by ClinVar (database versions not stated): ExAC 0.00001; gnomAD 0.00001; gnomAD exomes 0.00001; TOPMed 0.00002.
gnomAD v4.1: 23 of 1,613,756 alleles (0.0014%); highest among the groups gnomAD compares: Middle Eastern, 0.016%; no homozygotes.

Submissions (3):

Labcorp Genetics (formerly Invitae), Labcorp
Classification: Likely benign for Supravalvar aortic stenosis. Last evaluated: 2026-01-07. Review status: criteria provided, single submitter. Criteria: Invitae Variant Classification Sherloc (09022015). Collection method: clinical testing. Allele origin: germline.

Blueprint Genetics
Classification: Likely benign. Last evaluated: 2024-10-14. Review status: criteria provided, single submitter. Criteria: ACMG Guidelines, 2015. Collection method: clinical testing. Allele origin: germline.

Centre for Mendelian Genomics, University Medical Centre Ljubljana
Classification: Uncertain significance for Williams syndrome. Last evaluated: 2018-11-17. Review status: criteria provided, single submitter. Criteria: ACMG Guidelines, 2015. Collection method: clinical testing. Allele origin: unknown. Affected: yes.
Comment: This variant was classified as: Uncertain significance. The available evidence on this variant's pathogenicity is insufficient or conflicting. The following ACMG criteria were applied in classifying this variant: BP4.